The following is an entry in ClinVar:

NM_001103.4(ACTN2):c.2060_2061delinsCA (p.Asn687Thr)

Gene: ACTN2 (actinin alpha 2; plus strand). Cytogenetic location: 1q43.
Variant type: Indel.
Coding change: c.2060_2061delinsCA on transcript NM_001103.4 (MANE Select); coding-DNA positions 2060 to 2061, AC replaced by CA.
Protein change: p.Asn687Thr; replaces asparagine 687 with threonine.
Molecular consequence: missense variant.
Genome position (GRCh38, 1-based): chr1:236,755,104-236,755,105, AC replaced by CA. VCF-style: chr1-236755104-AC-CA. GRCh37 (hg19) VCF-style: chr1-236918404-AC-CA.
Other names: p.Asn687Thr; c.2060_2061delinsCA, p.Asn687Thr (NM_001278343.2); c.1436_1437delinsCA, p.Asn479Thr (NM_001278344.2); c.1310_1311delACinsCA, p.Asn437Thr (NM_001412150.1); c.2060_2061delinsCA (NM_001103.3, NM_001103.2); short protein forms N437T, N687T, N479T.
Identifiers: ClinVar variation 1785215 (VCV001785215.9), dbSNP rs2527647312, ClinGen allele CA2580062388.
Genomic context (GRCh38, chr1:236,755,104, plus strand): 5'-TCACAGGAGCCCTGGAAGACCAGATGAACCAGCTGAAGCAGTATGAGCACAACATCATCA[AC>CA]TATAAGAACAACATCGACAAGCTGGAGGGAGACCATCAGCTCATCCAGGAGGCCCTTGTC-3'
Protein context (NP_001094.1, residues 677-697): QLKQYEHNII[Asn687Thr]YKNNIDKLEG

ClinVar aggregate classification (germline): Uncertain significance. Review status: criteria provided, multiple submitters, no conflicts (2 of 4 stars). 4 submissions from 4 submitters: Uncertain significance (4). Last evaluated 2025-06-14.

Conditions:
Cardiovascular phenotype. Identifiers: MedGen CN230736.
Dilated cardiomyopathy 1AA (CMD1AA). Also called: CARDIOMYOPATHY, DILATED, 1AA, WITH OR WITHOUT LEFT VENTRICULAR NONCOMPACTION; CARDIOMYOPATHY, FAMILIAL HYPERTROPHIC, 23, WITH OR WITHOUT LEFT VENTRICULAR NONCOMPACTION; Cardiomyopathy, dilated, 1AA, with or without LVNC. Identifiers: Orphanet 154, MedGen C2677338, MONDO:0012808, OMIM 612158.
Primary familial hypertrophic cardiomyopathy (HCM). Identifiers: Orphanet 99739, MedGen C0949658, MeSH D024741, MONDO:0024573. Inheritance: Various modes of inheritance.

Submissions (4):

Labcorp Genetics (formerly Invitae), Labcorp
Classification: Uncertain significance for Primary familial hypertrophic cardiomyopathy; Dilated cardiomyopathy 1AA. Last evaluated: 2025-06-14. Review status: criteria provided, single submitter. Criteria: Invitae Variant Classification Sherloc (09022015). Collection method: clinical testing. Allele origin: germline.
Comment: This sequence change replaces asparagine, which is neutral and polar, with threonine, which is neutral and polar, at codon 687 of the ACTN2 protein (p.Asn687Thr). Information on the frequency of this variant in the gnomAD database is not available, as this variant may be reported differently in the database. This variant has not been reported in the literature in individuals affected with ACTN2-related conditions. ClinVar contains an entry for this variant (Variation ID: 1785215). An algorithm developed to predict the effect of missense changes on protein structure and function (PolyPhen-2) suggests that this variant is likely to be tolerated. In summary, the available evidence is currently insufficient to determine the role of this variant in disease. Therefore, it has been classified as a Variant of Uncertain Significance.

Mayo Clinic Laboratories, Mayo Clinic
Classification: Uncertain significance. Last evaluated: 2024-08-23. Review status: criteria provided, single submitter. Criteria: ACMG Guidelines, 2015. Collection method: clinical testing. Allele origin: germline. Observed: 1 variant allele.
Comment: BP4, PM2

GeneDx
Classification: Uncertain significance. Last evaluated: 2024-07-30. Review status: criteria provided, single submitter. Criteria: GeneDx Variant Classification Process June 2021. Collection method: clinical testing. Allele origin: germline. Affected: yes.
Comment: Has not been previously published as pathogenic or benign to our knowledge; Not observed at significant frequency in large population cohorts (gnomAD); In silico analysis indicates that this variant does not alter protein structure/function

Ambry Genetics
Classification: Uncertain significance for Cardiovascular phenotype. Last evaluated: 2022-01-05. Review status: criteria provided, single submitter. Criteria: Ambry Variant Classification Scheme 2023. Collection method: clinical testing. Allele origin: germline.
Comment: The c.2060_2061delACinsCA variant (also known as p.N687T), located in coding exon 17 of the ACTN2 gene, results from an in-frame deletion of AC and insertion of CA at nucleotide positions 2060 to 2061. This results in the substitution of the asparagine residue for a threonine residue at codon 687, an amino acid with similar properties. This amino acid position is well conserved in available vertebrate species. In addition, this alteration is predicted to be neutral by in silico analysis (Choi Y et al. PLoS ONE. 2012; 7(10):e46688). Since supporting evidence is limited at this time, the clinical significance of this alteration remains unclear.